The following is an entry in ClinVar:

NM_001040151.2(SCN3B):c.584+2dup

Gene: SCN3B (sodium voltage-gated channel beta subunit 3; minus strand). Cytogenetic location: 11q24.1.
Variant type: Duplication.
Coding change: c.584+2dup on transcript NM_001040151.2 (MANE Select); the canonical splice donor site of the intron after coding-DNA position 584, one base duplicated (T; older notation c.584+2dupT).
Molecular consequence: splice donor variant.
Genome position (GRCh38, 1-based): chr11:123,638,184, A duplicated on the plus strand (T on the coding strand, the reverse complement: SCN3B is on the minus strand). VCF-style (leftmost placement, unchanged base first): chr11-123638183-T-TA. GRCh37 (hg19) VCF-style: chr11-123508891-T-TA.
Other names: c.584+2dup (NM_018400.4).
Identifiers: ClinVar variation 1484460 (VCV001484460.5), dbSNP rs1265045446, ClinGen allele CA672826830.

ClinVar aggregate classification (germline): Uncertain significance (1 of 4 stars; one submission).

Conditions:
Brugada syndrome 7 (BRGDA7). Identifiers: Orphanet 130, MedGen C2751088, MONDO:0013146, OMIM 613120.

Allele frequency attached by ClinVar (database versions not stated): TOPMed below 0.00001; gnomAD 0.00001.

Submission:

Labcorp Genetics (formerly Invitae), Labcorp
Classification: Uncertain significance for Brugada syndrome 7. Last evaluated: 2022-05-12. Review status: criteria provided, single submitter. Criteria: Invitae Variant Classification Sherloc (09022015). Collection method: clinical testing. Allele origin: germline.
Comment: In summary, the available evidence is currently insufficient to determine the role of this variant in disease. Therefore, it has been classified as a Variant of Uncertain Significance. Variants that disrupt the consensus splice site are a relatively common cause of aberrant splicing (PMID: 17576681, 9536098). Algorithms developed to predict the effect of sequence changes on RNA splicing suggest that this variant may disrupt the consensus splice site. This variant has not been reported in the literature in individuals affected with SCN3B-related conditions. This variant is not present in population databases (gnomAD no frequency). This sequence change falls in intron 4 of the SCN3B gene. It does not directly change the encoded amino acid sequence of the SCN3B protein. It affects a nucleotide within the consensus splice site.

Literature cited by the submitters: PubMed 17576681; PubMed 9536098.